The following is an entry in ClinVar:

ClinVar aggregate classification (germline): Uncertain significance (1 of 4 stars; one submission).

Conditions:
Ataxia-telangiectasia syndrome (AT). Also called: Cerebello-oculocutaneous telangiectasia; Immunodeficiency with ataxia telangiectasia; LOUIS-BAR SYNDROME; ATAXIA-TELANGIECTASIA, COMPLEMENTATION GROUP A; ATAXIA-TELANGIECTASIA, FRESNO VARIANT; Ataxia-telangiectasia, complementation group D. Identifiers: Orphanet 100, MedGen C0004135, MONDO:0008840, OMIM 208900.

Submission:

Labcorp Genetics (formerly Invitae), Labcorp
Classification: Uncertain significance for Ataxia-telangiectasia syndrome. Last evaluated: 2021-08-30. Review status: criteria provided, single submitter. Criteria: Invitae Variant Classification Sherloc (09022015). Collection method: clinical testing. Allele origin: germline.
Comment: This sequence change replaces lysine with glutamine at codon 1646 of the ATM protein (p.Lys1646Gln). The lysine residue is moderately conserved and there is a small physicochemical difference between lysine and glutamine. This variant is not present in population databases (ExAC no frequency). This variant has not been reported in the literature in individuals affected with ATM-related conditions. Advanced modeling of protein sequence and biophysical properties (such as structural, functional, and spatial information, amino acid conservation, physicochemical variation, residue mobility, and thermodynamic stability) performed at Invitae indicates that this missense variant is not expected to disrupt ATM protein function. In summary, the available evidence is currently insufficient to determine the role of this variant in disease. Therefore, it has been classified as a Variant of Uncertain Significance.

NM_000051.4(ATM):c.4936A>C (p.Lys1646Gln)

Gene: ATM (ATM serine/threonine kinase; plus strand). Cytogenetic location: 11q22.3.
Variant type: single nucleotide variant.
Coding change: c.4936A>C on transcript NM_000051.4 (MANE Select); coding-DNA position 4936, A replaced by C.
Protein change: p.Lys1646Gln; replaces lysine 1646 with glutamine.
Molecular consequence: missense variant.
Genome position (GRCh38, 1-based): chr11:108,297,313, A>C. VCF-style: chr11-108297313-A-C. GRCh37 (hg19) VCF-style: chr11-108168040-A-C.
Other names: c.4936A>C, p.Lys1646Gln (NM_001351834.2); short protein forms K1646Q.
Identifiers: ClinVar variation 1378625 (VCV001378625.3), dbSNP rs2135861949, ClinGen allele CA382538163.